The following is an entry in ClinVar:

NM_005458.8(GABBR2):c.312T>C (p.Tyr104=)

Gene: GABBR2 (gamma-aminobutyric acid type B receptor subunit 2; minus strand). Cytogenetic location: 9q22.33.
Variant type: single nucleotide variant.
Coding change: c.312T>C on transcript NM_005458.8 (MANE Select); coding-DNA position 312, T replaced by C.
Protein change: p.Tyr104=; no amino-acid change (tyrosine 104 retained).
Molecular consequence: synonymous variant.
Genome position (GRCh38, 1-based): chr9:98,708,426, A>G on the plus strand (T>C on the coding strand, the complement: GABBR2 is on the minus strand). VCF-style: chr9-98708426-A-G. GRCh37 (hg19) VCF-style: chr9-101470708-A-G.
Identifiers: ClinVar variation 3026318 (VCV003026318.22), dbSNP rs2490288193, ClinGen allele CA466420440.

ClinVar aggregate classification (germline): Likely benign (1 of 4 stars; one submission).

Submission:

CeGaT Center for Human Genetics Tuebingen
Classification: Likely benign. Last evaluated: 2023-12-01. Review status: criteria provided, single submitter. Criteria: CeGaT Center For Human Genetics Tuebingen Variant Classification Criteria Version 2. Collection method: clinical testing. Allele origin: germline. Affected: yes. Observed: 1 variant allele.
Comment: GABBR2: PM2:Supporting, BP4, BP7